The following is an entry in ClinVar:

NM_213599.3(ANO5):c.1363C>T (p.Arg455Cys)

Gene: ANO5 (anoctamin 5; plus strand). Cytogenetic location: 11p14.3.
Variant type: single nucleotide variant.
Coding change: c.1363C>T on transcript NM_213599.3 (MANE Select); coding-DNA position 1363, C replaced by T.
Protein change: p.Arg455Cys; replaces arginine 455 with cysteine.
Molecular consequence: missense variant.
Genome position (GRCh38, 1-based): chr11:22,257,710, C>T. VCF-style: chr11-22257710-C-T. GRCh37 (hg19) VCF-style: chr11-22279256-C-T.
Other names: c.1360C>T, p.Arg454Cys (NM_001142649.2); short protein forms R455C, R454C.
Identifiers: ClinVar variation 578034 (VCV000578034.12), dbSNP rs200633920, ClinGen allele CA5923228.

ClinVar aggregate classification (germline): Uncertain significance. Review status: criteria provided, multiple submitters, no conflicts (2 of 4 stars). 2 submissions from 2 submitters: Uncertain significance (2). Last evaluated 2024-08-14.

Conditions:
Autosomal recessive limb-girdle muscular dystrophy type 2L (LGMDR12). Also called: MUSCULAR DYSTROPHY, LIMB-GIRDLE, AUTOSOMAL RECESSIVE 12; Limb-girdle muscular dystrophy, type 2L; Limb-Girdle Muscular Dystrophy R12 Anoctamin-5-Related (LGMD-R12). Identifiers: Orphanet 206549, MedGen C1969785, MONDO:0012652, OMIM 611307.
Gnathodiaphyseal dysplasia (GDD). Also called: GNATHODIAPHYSEAL SCLEROSIS; OSTEOGENESIS IMPERFECTA WITH UNUSUAL SKELETAL LESIONS. Identifiers: Orphanet 53697, MedGen C1833736, MONDO:0008151, OMIM 166260.
Inborn genetic diseases. Identifiers: MedGen C0950123, MeSH D030342.

Allele frequency attached by ClinVar (database versions not stated): gnomAD below 0.00001 and 0.00001; gnomAD exomes below 0.00001 and 0.00001; ExAC 0.00001; TOPMed 0.00001.
gnomAD v4.1: 18 of 1,612,338 alleles (0.0011%); highest among the groups gnomAD compares: East Asian, 0.0045%; no homozygotes.

Submissions (2):

Ambry Genetics
Classification: Uncertain significance for Inborn genetic diseases. Last evaluated: 2024-08-14. Review status: criteria provided, single submitter. Criteria: Ambry Variant Classification Scheme 2023. Collection method: clinical testing. Allele origin: germline.

Labcorp Genetics (formerly Invitae), Labcorp
Classification: Uncertain significance for Autosomal recessive limb-girdle muscular dystrophy type 2L; Gnathodiaphyseal dysplasia. Last evaluated: 2022-06-04. Review status: criteria provided, single submitter. Criteria: Invitae Variant Classification Sherloc (09022015). Collection method: clinical testing. Allele origin: germline.
Comment: This sequence change replaces arginine, which is basic and polar, with cysteine, which is neutral and slightly polar, at codon 455 of the ANO5 protein (p.Arg455Cys). This variant is present in population databases (rs200633920, gnomAD 0.0009%). This variant has not been reported in the literature in individuals affected with ANO5-related conditions. ClinVar contains an entry for this variant (Variation ID: 578034). Advanced modeling of protein sequence and biophysical properties (such as structural, functional, and spatial information, amino acid conservation, physicochemical variation, residue mobility, and thermodynamic stability) performed at Invitae indicates that this missense variant is expected to disrupt ANO5 protein function. In summary, the available evidence is currently insufficient to determine the role of this variant in disease. Therefore, it has been classified as a Variant of Uncertain Significance.